The following is an entry in ClinVar:

NM_152743.4(BRAT1):c.871G>A (p.Gly291Ser)

Gene: BRAT1 (BRCA1 associated ATM activator 1; minus strand). Cytogenetic location: 7p22.3.
Variant type: single nucleotide variant.
Coding change: c.871G>A on transcript NM_152743.4 (MANE Select); coding-DNA position 871, G replaced by A.
Protein change: p.Gly291Ser; replaces glycine 291 with serine.
Molecular consequence: missense variant. On other transcripts: non-coding transcript variant (1).
Genome position (GRCh38, 1-based): chr7:2,543,256, C>T on the plus strand (G>A on the coding strand, the complement: BRAT1 is on the minus strand). VCF-style: chr7-2543256-C-T. GRCh37 (hg19) VCF-style: chr7-2582890-C-T.
Other names: c.871G>A, p.Gly291Ser (NM_001350626.2); c.346G>A, p.Gly116Ser (NM_001350627.2); short protein forms G291S, G116S.
Identifiers: ClinVar variation 540156 (VCV000540156.12), dbSNP rs764583480, ClinGen allele CA4128031.
Genomic context (GRCh38, chr7:2,543,256, plus strand): 5'-GACCATACCAGTGCTCGAGCTTCAGGATCCCCAAAGCCAGGGGTCCCATGTGGGTGGGAC[C>T]CAGGCAGCTCAGAGCCCGCGCCACTGTCTCCCACAGGCTGCCGTCGGAAGAACTGAACAC-3'
Protein context (NP_689956.2, residues 281-301): ETVARALSCL[Gly291Ser]PTHMGPLALG

ClinVar aggregate classification (germline): Conflicting classifications of pathogenicity. Review status: criteria provided, conflicting classifications (1 of 4 stars). 2 submissions from 2 submitters: Uncertain significance (1); Likely benign (1). Last evaluated 2025-08-28.

Conditions:
Neonatal-onset encephalopathy with rigidity and seizures. Also called: Lethal neonatal spasticity-epileptic encephalopathy syndrome. Identifiers: Orphanet 435845, MedGen C3281029, MONDO:0013784, OMIM 614498.

Allele frequency attached by ClinVar (database versions not stated): gnomAD exomes 0.00002 and 0.00010; TOPMed 0.00029; ExAC 0.00005; gnomAD 0.00022 and 0.00023.
gnomAD v4.1: 61 of 1,611,458 alleles (0.0038%); highest among the groups gnomAD compares: Admixed American, 0.099%; no homozygotes.

Submissions (2):

Labcorp Genetics (formerly Invitae), Labcorp
Classification: Likely benign for Neonatal-onset encephalopathy with rigidity and seizures. Last evaluated: 2025-08-28. Review status: criteria provided, single submitter. Criteria: Invitae Variant Classification Sherloc (09022015). Collection method: clinical testing. Allele origin: germline.

GeneDx
Classification: Uncertain significance. Last evaluated: 2025-01-06. Review status: criteria provided, single submitter. Criteria: GeneDx Variant Classification Process June 2021. Collection method: clinical testing. Allele origin: germline. Affected: yes.
Comment: In silico analysis indicates that this missense variant does not alter protein structure/function; Has not been previously published as pathogenic or benign to our knowledge